The following is an entry in ClinVar:

NM_054027.6(ANKH):c.968A>G (p.His323Arg)

Gene: ANKH (ANKH inorganic pyrophosphate transport regulator; minus strand). Cytogenetic location: 5p15.2.
Variant type: single nucleotide variant.
Coding change: c.968A>G on transcript NM_054027.6 (MANE Select); coding-DNA position 968, A replaced by G.
Protein change: p.His323Arg; replaces histidine 323 with arginine.
Molecular consequence: missense variant.
Genome position (GRCh38, 1-based): chr5:14,741,870, T>C on the plus strand (A>G on the coding strand, the complement: ANKH is on the minus strand). VCF-style: chr5-14741870-T-C. GRCh37 (hg19) VCF-style: chr5-14741979-T-C.
Other names: short protein forms H323R.
Identifiers: ClinVar variation 4778021 (VCV004778021.1).
Genomic context (GRCh38, chr5:14,741,870, plus strand): 5'-AGAGCCTCTGTCCTTACCGTGAGTGACAGAGCCATGCAGACGAAGGTGAACTTCTTGATG[T>C]GGGCTGCCGTGACTGTGTTGCTCGTGCTCACCAGTTTGTTGCTGGGGTTATTCTGGGGAA-3'
Protein context (NP_473368.1, residues 313-333): VSTSNTVTAA[His323Arg]IKKFTFVCMA

ClinVar aggregate classification (germline): Uncertain significance (1 of 4 stars; one submission).

gnomAD v4.1: 4 of 1,614,174 alleles (0.00025%); highest among the groups gnomAD compares: Non-Finnish European, 0.00034%; no homozygotes.

Submission:

Labcorp Genetics (formerly Invitae), Labcorp
Classification: Uncertain significance. Last evaluated: 2025-12-28. Review status: criteria provided, single submitter. Criteria: Invitae Variant Classification Sherloc (09022015). Collection method: clinical testing. Allele origin: germline.
Comment: This sequence change replaces histidine, which is basic and polar, with arginine, which is basic and polar, at codon 323 of the ANKH protein (p.His323Arg). This variant is present in population databases (no rsID available, gnomAD 0.0009%). This variant has not been reported in the literature in individuals affected with ANKH-related conditions. Invitae Evidence Modeling of protein sequence and biophysical properties (such as structural, functional, and spatial information, amino acid conservation, physicochemical variation, residue mobility, and thermodynamic stability) indicates that this missense variant is not expected to disrupt ANKH protein function with a negative predictive value of 80%. In summary, the available evidence is currently insufficient to determine the role of this variant in disease. Therefore, it has been classified as a Variant of Uncertain Significance.